The following is an entry in ClinVar:

NM_145045.5(ODAD3):c.634C>T (p.Arg212Cys)

Gene: ODAD3 (outer dynein arm docking complex subunit 3; minus strand). Cytogenetic location: 19p13.2.
Variant type: single nucleotide variant.
Coding change: c.634C>T on transcript NM_145045.5 (MANE Select); coding-DNA position 634, C replaced by T.
Protein change: p.Arg212Cys; replaces arginine 212 with cysteine.
Molecular consequence: missense variant. On other transcripts: intron variant (1).
Genome position (GRCh38, 1-based): chr19:11,426,763, G>A on the plus strand (C>T on the coding strand, the complement: ODAD3 is on the minus strand). VCF-style: chr19-11426763-G-A. GRCh37 (hg19) VCF-style: chr19-11537583-G-A.
Other names: c.472C>T, p.Arg158Cys (NM_001302453.1); c.534+110C>T (NM_001302454.2); short protein forms R158C, R212C.
Identifiers: ClinVar variation 2023876 (VCV002023876.4), dbSNP rs1431454771, ClinGen allele CA404124577.

ClinVar aggregate classification (germline): Uncertain significance (1 of 4 stars; one submission).

Conditions:
Primary ciliary dyskinesia 30. Also called: CILIARY DYSKINESIA, PRIMARY, 30, WITH OR WITHOUT SITUS INVERSUS. Identifiers: Orphanet 244, MedGen C4015016, MONDO:0014465, OMIM 616037.

gnomAD v4.1: 2 of 1,613,896 alleles (0.00012%); highest among the groups gnomAD compares: South Asian, 0.0011%; no homozygotes.

Submission:

Labcorp Genetics (formerly Invitae), Labcorp
Classification: Uncertain significance for Primary ciliary dyskinesia 30. Last evaluated: 2025-07-30. Review status: criteria provided, single submitter. Criteria: Invitae Variant Classification Sherloc (09022015). Collection method: clinical testing. Allele origin: germline.
Comment: This sequence change replaces arginine, which is basic and polar, with cysteine, which is neutral and slightly polar, at codon 212 of the CCDC151 protein (p.Arg212Cys). This variant is present in population databases (no rsID available, gnomAD 0.003%). This variant has not been reported in the literature in individuals affected with CCDC151-related conditions. ClinVar contains an entry for this variant (Variation ID: 2023876). An algorithm developed to predict the effect of missense changes on protein structure and function (PolyPhen-2) suggests that this variant is likely to be disruptive. In summary, the available evidence is currently insufficient to determine the role of this variant in disease. Therefore, it has been classified as a Variant of Uncertain Significance.